The following is an entry in ClinVar:

ClinVar aggregate classification (germline): Conflicting classifications of pathogenicity. Review status: criteria provided, conflicting classifications (1 of 4 stars). 3 submissions from 3 submitters: Uncertain significance (2); Likely benign (1). Last evaluated 2025-05-19.

Submissions (3):

Labcorp Genetics (formerly Invitae), Labcorp
Classification: Uncertain significance. Last evaluated: 2025-05-19. Review status: criteria provided, single submitter. Criteria: Invitae Variant Classification Sherloc (09022015). Collection method: clinical testing. Allele origin: germline.
Comment: This sequence change replaces asparagine, which is neutral and polar, with serine, which is neutral and polar, at codon 178 of the COL2A1 protein (p.Asn178Ser). This variant is not present in population databases (gnomAD no frequency). This variant has not been reported in the literature in individuals affected with COL2A1-related conditions. Experimental studies and prediction algorithms are not available or were not evaluated, and the functional significance of this variant is currently unknown. In summary, the available evidence is currently insufficient to determine the role of this variant in disease. Therefore, it has been classified as a Variant of Uncertain Significance.

GeneDx
Classification: Uncertain significance. Last evaluated: 2024-10-30. Review status: criteria provided, single submitter. Criteria: GeneDx Variant Classification Process June 2021. Collection method: clinical testing. Allele origin: germline. Affected: yes.
Comment: Not observed at significant frequency in large population cohorts (gnomAD); In silico analysis supports that this missense variant has a deleterious effect on protein structure/function; Has not been previously published as pathogenic or benign to our knowledge; Not located in the triple helical region, where the majority of pathogenic missense variants occur (HGMD)

Blueprint Genetics
Classification: Likely benign. Last evaluated: 2022-10-04. Review status: criteria provided, single submitter. Criteria: ACMG Guidelines, 2015. Collection method: clinical testing. Allele origin: germline.

NM_001844.5(COL2A1):c.533A>G (p.Asn178Ser)

Gene: COL2A1 (collagen type II alpha 1 chain; minus strand). Cytogenetic location: 12q13.11.
Variant type: single nucleotide variant.
Coding change: c.533A>G on transcript NM_001844.5 (MANE Select); coding-DNA position 533, A replaced by G.
Protein change: p.Asn178Ser; replaces asparagine 178 with serine.
Molecular consequence: missense variant.
Genome position (GRCh38, 1-based): chr12:47,996,624, T>C on the plus strand (A>G on the coding strand, the complement: COL2A1 is on the minus strand). VCF-style: chr12-47996624-T-C. GRCh37 (hg19) VCF-style: chr12-48390407-T-C.
Other names: c.326A>G, p.Asn109Ser (NM_033150.3); short protein forms N109S, N178S.
Identifiers: ClinVar variation 3897450 (VCV003897450.3).